The following is an entry in ClinVar:

ClinVar aggregate classification (germline): Pathogenic (1 of 4 stars; one submission).

Submission:

Labcorp Genetics (formerly Invitae), Labcorp
Classification: Pathogenic. Last evaluated: 2022-12-18. Review status: criteria provided, single submitter. Criteria: Invitae Variant Classification Sherloc (09022015). Collection method: clinical testing. Allele origin: unknown.
Comment: For these reasons, this variant has been classified as Pathogenic. A similar copy number variant has been observed in individual(s) with X-linked hypophosphatemia (PMID: 19513579). This variant is a gross deletion of the genomic region encompassing exon(s) 1-9 of the PHEX gene, which includes the initiator codon. This deletion extends beyond the assayed region for this gene and therefore may encompass additional genes. It is expected to result in an absent or disrupted protein product. Loss-of-function variants in PHEX are known to be pathogenic (PMID: 9097956, 9106524, 19219621).

Literature cited by the submitters: PubMed 19513579; PubMed 9097956; PubMed 9106524; PubMed 19219621.

NC_000023.10:g.(?_22050695)_(22117289_?)del

Gene: PHEX (phosphate regulating endopeptidase X-linked; plus strand). Cytogenetic location: Xp22.11.
Variant type: Deletion.
Identifiers: ClinVar variation 3245978 (VCV003245978.1).